The following is an entry in ClinVar:

ClinVar aggregate classification (germline): Uncertain significance (1 of 4 stars; one submission).

Conditions:
Oculodentodigital dysplasia, autosomal recessive. Also called: OCULODENTOOSSEOUS DYSPLASIA, AUTOSOMAL RECESSIVE; ODDD, AUTOSOMAL RECESSIVE; ODOD, AUTOSOMAL RECESSIVE. Identifiers: Orphanet 2710, MedGen C2749477, MONDO:0009768, OMIM 257850.

Submission:

Labcorp Genetics (formerly Invitae), Labcorp
Classification: Uncertain significance for Oculodentodigital dysplasia, autosomal recessive. Last evaluated: 2023-10-06. Review status: criteria provided, single submitter. Criteria: Invitae Variant Classification Sherloc (09022015). Collection method: clinical testing. Allele origin: germline.
Comment: This sequence change replaces serine, which is neutral and polar, with isoleucine, which is neutral and non-polar, at codon 180 of the GJA1 protein (p.Ser180Ile). This variant is not present in population databases (gnomAD no frequency). This variant has not been reported in the literature in individuals affected with GJA1-related conditions. Advanced modeling of protein sequence and biophysical properties (such as structural, functional, and spatial information, amino acid conservation, physicochemical variation, residue mobility, and thermodynamic stability) performed at Invitae indicates that this missense variant is not expected to disrupt GJA1 protein function. In summary, the available evidence is currently insufficient to determine the role of this variant in disease. Therefore, it has been classified as a Variant of Uncertain Significance.

NM_000165.5(GJA1):c.539G>T (p.Ser180Ile)

Gene: GJA1 (gap junction protein alpha 1; plus strand). Cytogenetic location: 6q22.31.
Variant type: single nucleotide variant.
Coding change: c.539G>T on transcript NM_000165.5 (MANE Select); coding-DNA position 539, G replaced by T.
Protein change: p.Ser180Ile; replaces serine 180 with isoleucine.
Molecular consequence: missense variant.
Genome position (GRCh38, 1-based): chr6:121,447,386, G>T. VCF-style: chr6-121447386-G-T. GRCh37 (hg19) VCF-style: chr6-121768532-G-T.
Other names: short protein forms S180I.
Identifiers: ClinVar variation 3010285 (VCV003010285.3), dbSNP rs2536822039, ClinGen allele CA365559238.